The following is an entry in ClinVar:

NM_001134363.3(RBM20):c.55C>G (p.Pro19Ala)

Gene: RBM20 (RNA binding motif protein 20; plus strand). Cytogenetic location: 10q25.2.
Variant type: single nucleotide variant.
Coding change: c.55C>G on transcript NM_001134363.3 (MANE Select); coding-DNA position 55, C replaced by G.
Protein change: p.Pro19Ala; replaces proline 19 with alanine.
Molecular consequence: missense variant.
Genome position (GRCh38, 1-based): chr10:110,644,509, C>G. VCF-style: chr10-110644509-C-G. GRCh37 (hg19) VCF-style: chr10-112404267-C-G.
Other names: short protein forms P19A.
Identifiers: ClinVar variation 4527200 (VCV004527200.1).

ClinVar aggregate classification (germline): Uncertain significance (1 of 4 stars; one submission).

Submission:

GeneDx
Classification: Uncertain significance. Last evaluated: 2025-04-21. Review status: criteria provided, single submitter. Criteria: GeneDx Variant Classification Process June 2021. Collection method: clinical testing. Allele origin: germline. Affected: yes.
Comment: Not observed at significant frequency in large population cohorts (gnomAD); In silico analysis indicates that this missense variant does not alter protein structure/function; Has not been previously published as pathogenic or benign to our knowledge